The following is an entry in ClinVar:

ClinVar aggregate classification (germline): Pathogenic (1 of 4 stars; one submission).

Conditions:
Joubert syndrome. Also called: CEREBELLOPARENCHYMAL DISORDER IV; JOUBERT-BOLTSHAUSER SYNDROME; Familial aplasia of the vermis. Identifiers: Orphanet 475, MedGen C5979921, MONDO:0018772.
Meckel-Gruber syndrome. Also called: DYSENCEPHALIA SPLANCHNOCYSTICA; GRUBER SYNDROME; Dysencephalia splachnocystica. Identifiers: Orphanet 564, MedGen C0265215, MONDO:0018921.

Submission:

Labcorp Genetics (formerly Invitae), Labcorp
Classification: Pathogenic for Joubert syndrome; Meckel-Gruber syndrome. Last evaluated: 2021-01-05. Review status: criteria provided, single submitter. Criteria: Invitae Variant Classification Sherloc (09022015). Collection method: clinical testing. Allele origin: germline.
Comment: For these reasons, this variant has been classified as Pathogenic. This variant has not been reported in the literature in individuals with MKS1-related conditions. This variant is not present in population databases (ExAC no frequency). This sequence change creates a premature translational stop signal (p.Leu404Serfs*28) in the MKS1 gene. It is expected to result in an absent or disrupted protein product. Loss-of-function variants in MKS1 are known to be pathogenic (PMID: 19466712, 24886560, 26490104).

Literature cited by the submitters: PubMed 19466712; PubMed 24886560; PubMed 26490104.

NM_017777.4(MKS1):c.1204_1208dup (p.Leu404fs)

Gene: MKS1 (MKS transition zone complex subunit 1; minus strand). Cytogenetic location: 17q22.
Variant type: Duplication.
Coding change: c.1204_1208dup on transcript NM_017777.4 (MANE Select); coding-DNA positions 1204 to 1208, 5 bases duplicated (CTCTC; older notation c.1204_1208dupCTCTC).
Protein change: p.Leu404fs; shifts the reading frame from leucine 404.
Molecular consequence: frameshift variant.
Genome position (GRCh38, 1-based): chr17:58,207,959-58,207,963, GAGAG duplicated on the plus strand (CTCTC on the coding strand, the reverse complement: MKS1 is on the minus strand); duplicating any 5 consecutive bases within chr17:58,207,959-58,207,965 gives the same sequence; the c. name uses the placement nearest the transcript's 3' end. VCF-style (leftmost placement, unchanged base first): chr17-58207958-C-CGAGAG. GRCh37 (hg19) VCF-style: chr17-56285319-C-CGAGAG.
Other names: c.595_599dup, p.Leu201fs (NM_001321268.2); c.1204_1208dup, p.Leu404fs (NM_001321269.2, NM_001330397.2); short protein forms L201fs, L404fs.
Identifiers: ClinVar variation 1430465 (VCV001430465.6), dbSNP rs2143751393, ClinGen allele CA2573154385.
Genomic context (GRCh38, chr17:58,207,958, plus strand): 5'-AGTGGCAGGCAGCACCACAGCCCCATAGCCTTCCACACGGTACCTCTGCCAGAAGTCCAG[C>CGAGAG]GAGAGGACCTCACAGTAGAGCACAGGCCACTCCGGGAGTGCATCTGGGAGCAAGGAGAGA-3'